The following is an entry in ClinVar:

ClinVar aggregate classification (germline): Uncertain significance. Review status: criteria provided, multiple submitters, no conflicts (2 of 4 stars). 3 submissions from 3 submitters: Uncertain significance (3). Last evaluated 2025-09-18.

Conditions:
Erythrokeratodermia variabilis et progressiva 6. Identifiers: MedGen C5193144, MONDO:0032801, OMIM 618531.
Progressive familial heart block type IB (PFHB1B). Identifiers: Orphanet 871, MedGen C1970298, MONDO:0011474, OMIM 604559.

Allele frequency attached by ClinVar (database versions not stated): gnomAD exomes below 0.00001; gnomAD 0.00001.
gnomAD v4.1: 2 of 1,535,094 alleles (0.00013%); highest among the groups gnomAD compares: Non-Finnish European, 0.00017%; no homozygotes.

Submissions (3):

Labcorp Genetics (formerly Invitae), Labcorp
Classification: Uncertain significance for Progressive familial heart block type IB. Last evaluated: 2025-09-18. Review status: criteria provided, single submitter. Criteria: Invitae Variant Classification Sherloc (09022015). Collection method: clinical testing. Allele origin: germline.
Comment: This sequence change affects codon 8 of the TRPM4 mRNA. It is a 'silent' change, meaning that it does not change the encoded amino acid sequence of the TRPM4 protein. This variant also falls at the last nucleotide of exon 1, which is part of the consensus splice site for this exon. This variant is not present in population databases (gnomAD no frequency). This variant has not been reported in the literature in individuals affected with TRPM4-related conditions. ClinVar contains an entry for this variant (Variation ID: 1503929). Variants that disrupt the consensus splice site are a relatively common cause of aberrant splicing (PMID: 17576681, 9536098). Algorithms developed to predict the effect of sequence changes on RNA splicing suggest that this variant may disrupt the consensus splice site. In summary, the available evidence is currently insufficient to determine the role of this variant in disease. Therefore, it has been classified as a Variant of Uncertain Significance.

Fulgent Genetics
Classification: Uncertain significance for Progressive familial heart block type IB; Erythrokeratodermia variabilis et progressiva 6. Last evaluated: 2021-10-25. Review status: criteria provided, single submitter. Criteria: ACMG Guidelines, 2015. Collection method: clinical testing. Allele origin: unknown.

Blueprint Genetics
Classification: Uncertain significance. Last evaluated: 2019-07-10. Review status: criteria provided, single submitter. Criteria: ACMG Guidelines, 2015. Collection method: clinical testing. Allele origin: germline.

Literature cited by the submitters: PubMed 17576681 (cited by Labcorp Genetics (formerly Invitae), Labcorp); PubMed 9536098 (cited by Labcorp Genetics (formerly Invitae), Labcorp).

NM_017636.4(TRPM4):c.24G>A (p.Gln8=)

Gene: TRPM4 (transient receptor potential cation channel subfamily M member 4; plus strand). Cytogenetic location: 19q13.33.
Variant type: single nucleotide variant.
Coding change: c.24G>A on transcript NM_017636.4 (MANE Select); coding-DNA position 24, G replaced by A.
Protein change: p.Gln8=; no amino-acid change (glutamine 8 retained).
Molecular consequence: synonymous variant. On other transcripts: 5 prime UTR variant (3).
Genome position (GRCh38, 1-based): chr19:49,157,890, G>A. VCF-style: chr19-49157890-G-A. GRCh37 (hg19) VCF-style: chr19-49661147-G-A.
Other names: c.24G>A, p.Gln8= (NM_001195227.2, NM_001321281.2); c.-1349G>A (NM_001321282.2); c.-143G>A (NM_001321283.2); c.-306G>A (NM_001321285.2).
Identifiers: ClinVar variation 1503929 (VCV001503929.10), dbSNP rs2041543043, ClinGen allele CA508097677.